The following is an entry in ClinVar:

ClinVar aggregate classification (germline): Uncertain significance. Review status: criteria provided, multiple submitters, no conflicts (2 of 4 stars). 2 submissions from 2 submitters: Uncertain significance (2). Last evaluated 2024-03-02.

Conditions:
Familial sleep-related hypermotor epilepsy. Also called: Autosomal Dominant Sleep-Related Hypermotor (Hyperkinetic) Epilepsy. Identifiers: Orphanet 98784, MedGen C3696898, MONDO:0000030.

Allele frequency attached by ClinVar (database versions not stated): gnomAD 0.00001; TOPMed 0.00002.

Submissions (2):

Labcorp Genetics (formerly Invitae), Labcorp
Classification: Uncertain significance. Last evaluated: 2024-03-02. Review status: criteria provided, single submitter. Criteria: Invitae Variant Classification Sherloc (09022015). Collection method: clinical testing. Allele origin: germline.
Comment: This sequence change replaces asparagine, which is neutral and polar, with aspartic acid, which is acidic and polar, at codon 108 of the CHRNA2 protein (p.Asn108Asp). This variant is not present in population databases (gnomAD no frequency). This variant has not been reported in the literature in individuals affected with CHRNA2-related conditions. ClinVar contains an entry for this variant (Variation ID: 421445). Advanced modeling of protein sequence and biophysical properties (such as structural, functional, and spatial information, amino acid conservation, physicochemical variation, residue mobility, and thermodynamic stability) performed at Invitae indicates that this missense variant is expected to disrupt CHRNA2 protein function with a positive predictive value of 80%. In summary, the available evidence is currently insufficient to determine the role of this variant in disease. Therefore, it has been classified as a Variant of Uncertain Significance.

GeneDx
Classification: Uncertain significance. Last evaluated: 2016-06-19. Review status: criteria provided, single submitter. Criteria: GeneDx Variant Classification (06012015). Collection method: clinical testing. Allele origin: germline. Affected: yes.
Comment: A variant of uncertain significance has been identified in the CHRNA2 gene. The N108D variant has not been published as a pathogenic variant, nor has it been reported as a benign variant to our knowledge. It was not observed in approximately 6,500 individuals of European and African American ancestry in the NHLBI Exome Sequencing Project, indicating it is not a common benign variant in these populations. The N108D variant is a semi-conservative amino acid substitution, which may impact secondary protein structure as these residues differ in some properties. Additionally, this substitution occurs at a position that is conserved across species, and in silico analysis predicts this variant is probably damaging to the protein structure/function. However, this amino acid substitution is not predicted to occur within the transmembrane region of the protein, where the vast majority of pathogenic missense variants have been identified in association with epilepsy (Steinlein et al., 2010). Therefore, based on the currently available information, it is unclear whether this variant is a pathogenic variant or a rare benign variant.

NM_000742.4(CHRNA2):c.322A>G (p.Asn108Asp)

Gene: CHRNA2 (cholinergic receptor nicotinic alpha 2 subunit; minus strand). Cytogenetic location: 8p21.2.
Variant type: single nucleotide variant.
Coding change: c.322A>G on transcript NM_000742.4 (MANE Select); coding-DNA position 322, A replaced by G.
Protein change: p.Asn108Asp; replaces asparagine 108 with aspartic acid.
Molecular consequence: missense variant. On other transcripts: 5 prime UTR variant (4).
Genome position (GRCh38, 1-based): chr8:27,469,352, T>C on the plus strand (A>G on the coding strand, the complement: CHRNA2 is on the minus strand). VCF-style: chr8-27469352-T-C. GRCh37 (hg19) VCF-style: chr8-27326869-T-C.
Other names: c.277A>G, p.Asn93Asp (NM_001282455.2); c.-151A>G (NM_001347705.2, NM_001347706.2); c.-137A>G (NM_001347707.2); c.-140A>G (NM_001347708.2); short protein forms N108D, N93D.
Identifiers: ClinVar variation 421445 (VCV000421445.6), dbSNP rs913563840, ClinGen allele CA16618625.